The following is an entry in ClinVar:

ClinVar aggregate classification (germline): Likely benign (1 of 4 stars; one submission).

Conditions:
Growth delay due to insulin-like growth factor I resistance. Also called: Somatomedin end-organ insensitivity to; Somatomedin-c resistance to; IGF-1 resistance; IGF-I RESISTANCE; Insulin-Like Growth Factor I Resistance. Identifiers: Orphanet 73273, MedGen C1849157, MONDO:0010038, OMIM 270450.

Allele frequency attached by ClinVar (database versions not stated): gnomAD 0.00195 and 0.00213; TOPMed 0.00237; 1000 Genomes Project 0.00240; gnomAD exomes 0.00424.
gnomAD v4.1: 674 of 232,546 alleles (0.29%); highest among the groups gnomAD compares: Middle Eastern, 0.77%; 8 homozygotes.

Submission:

Illumina Laboratory Services, Illumina
Classification: Likely benign for Growth delay due to insulin-like growth factor I resistance. Last evaluated: 2018-01-12. Review status: criteria provided, single submitter. Criteria: ICSL Variant Classification Criteria 13 December 2019. Collection method: clinical testing. Allele origin: germline.
Comment: This variant was observed in the ICSL laboratory as part of a predisposition screen in an ostensibly healthy population. It had not been previously curated by ICSL or reported in the Human Gene Mutation Database (HGMD: prior to June 1st, 2018), and was therefore a candidate for classification through an automated scoring system. Utilizing variant allele frequency, disease prevalence and penetrance estimates, and inheritance mode, an automated score was calculated to assess if this variant is too frequent to cause the disease. Based on the score and internal cut-off values, a variant classified as likely benign is not then subjected to further curation. The score for this variant resulted in a classification of likely benign for this disease.

NM_000875.5(IGF1R):c.*6770A>T

Gene: IGF1R (insulin like growth factor 1 receptor; plus strand). Cytogenetic location: 15q26.3.
Variant type: single nucleotide variant.
Coding change: c.*6770A>T on transcript NM_000875.5 (MANE Select); 6770 bases downstream of the stop codon, A replaced by T.
Molecular consequence: 3 prime UTR variant.
Genome position (GRCh38, 1-based): chr15:98,964,212, A>T. VCF-style: chr15-98964212-A-T. GRCh37 (hg19) VCF-style: chr15-99507441-A-T.
Other names: c.*6770A>T (NM_001291858.2).
Identifiers: ClinVar variation 317650 (VCV000317650.5), dbSNP rs3825952, ClinGen allele CA10642813.
Genomic context (GRCh38, chr15:98,964,212, plus strand): 5'-GCGGGATGGAATGGATGCACCGCAAATAATGCATTTTCTGAGTTTTCTTGTTAAAAAAAA[A>T]TTTTTTTAAGTAAGAAAAAAAAAGGTAATAACATGGCCAATTTGTTACATAAAATGACTT-3'